The following is an entry in ClinVar:

NM_003630.3(PEX3):c.321G>A (p.Leu107=)

Gene: PEX3 (peroxisomal biogenesis factor 3; plus strand). Cytogenetic location: 6q24.2.
Variant type: single nucleotide variant.
Coding change: c.321G>A on transcript NM_003630.3 (MANE Select); coding-DNA position 321, G replaced by A.
Protein change: p.Leu107=; no amino-acid change (leucine 107 retained).
Molecular consequence: synonymous variant.
Genome position (GRCh38, 1-based): chr6:143,468,155, G>A. VCF-style: chr6-143468155-G-A. GRCh37 (hg19) VCF-style: chr6-143789292-G-A.
Identifiers: ClinVar variation 4855677 (VCV004855677.1).
Genomic context (GRCh38, chr6:143,468,155, plus strand): 5'-TTCATATTTTTAAATTTTGTTCTTTAGGCCTTCAAACAAGCTAGAAATATGGGAGGATCT[G>A]AAGATAATAAGTAAGCCTGCATATTCTGTGTGACAGCACATCCTTAAAATATTTATAAAG-3'
Protein context (NP_003621.1, residues 97-117): PSNKLEIWED[Leu107=]KIISFTRSTV

ClinVar aggregate classification (germline): Uncertain significance (1 of 4 stars; one submission).

Conditions:
Peroxisome biogenesis disorder 10A (Zellweger). Also called: Peroxisome biogenesis disorder 10A. Identifiers: Orphanet 912, MedGen C3553999, MONDO:0013948, OMIM 614882.

Submission:

3billion
Classification: Uncertain significance for Peroxisome biogenesis disorder 10A (Zellweger). Last evaluated: 2025-05-29. Review status: criteria provided, single submitter. Criteria: ACMG Guidelines, 2015. Collection method: clinical testing. Allele origin: germline. Affected: yes.
Comment: The variant is not observed in the gnomAD v4.1.0 dataset. Predicted Consequence/Location: Synonymous variant In silico tools predict the variant to alter splicing and produce an abnormal transcript [SpliceAI: 0.44 (>=0.2, moderate evidence for spliceogenicity)]. Therefore, this variant is classified as VUS according to the recommendation of ACMG/AMP guideline.